The following is an entry in ClinVar:

ClinVar aggregate classification (germline): Conflicting classifications of pathogenicity. Review status: criteria provided, conflicting classifications (1 of 4 stars). 10 submissions from 10 submitters: Pathogenic (1); Likely pathogenic (7); Uncertain significance (1). 1 of the submissions does not count toward it. Last evaluated 2026-07-15.

Conditions:
AGXT-related disorder. Also called: AGXT-related condition.
Primary hyperoxaluria, type I (HP1). Also called: GLYCOLIC ACIDURIA; HEPATIC AGT DEFICIENCY; OXALOSIS I; Primary hyperoxaluria type 1. Identifiers: Orphanet 416, Orphanet 93598, MedGen C0268164, MONDO:0009823, OMIM 259900. Disease mechanism: loss of function.

Allele frequency attached by ClinVar (database versions not stated): TOPMed 0.00002; gnomAD 0.00001; gnomAD exomes 0.00002; ESP Exome Variant Server 0.00008.

Submissions (10):

Myriad Genetics, Inc.
Classification: Uncertain significance for Primary hyperoxaluria, type I. Last evaluated: 2026-07-15. Review status: criteria provided, single submitter. Criteria: Myriad Autosomal Dominant, Autosomal Recessive and X-Linked Classification Criteria (2023). Collection method: clinical testing. Allele origin: unknown.
Comment: NM_000030.2(AGXT):c.332G>A(R111Q) is a missense variant classified as a variant of uncertain significance in the context of primary hyperoxaluria type 1. R111Q has been observed in a case with relevant disease (PMID: 30076350). Relevant functional assessments of this variant are not available in the literature. R111Q has been observed in referenced population frequency databases. In summary, there is insufficient evidence to classify NM_000030.2(AGXT):c.332G>A(R111Q) as pathogenic or benign. Please note: this variant was assessed in the context of healthy population screening.

PreventionGenetics, part of Exact Sciences
Classification: Likely pathogenic for AGXT-related condition. Last evaluated: 2026-06-24. Review status: criteria provided, single submitter. Criteria: ACMG Guidelines, 2015. Collection method: clinical testing. Allele origin: germline.
Comment: The AGXT c.332G>A variant is predicted to result in the amino acid substitution p.Arg111Gln. This variant has been reported with a frameshift variant in an individual with primary hyperoxaluria (supplementary material in Sun et al. 2018. PubMed ID: 30076350). This variant was also reported in cis with a frameshift variant in a neonate from a newborn screening cohort (Boemer et al. 2025. PubMed ID: 39875687). An in vitro functional study using yeast suggests this variant impacts enzyme activity and stability (Lage et al. 2014. PubMed ID: 24718375). This variant is reported in 0.010% of alleles in individuals of South Asian descent in gnomAD and is consistently classified as pathogenic/likely pathogenic by multiple submitters to the ClinVar database (Variation ID: 204092). Taken together, this variant is interpreted as likely pathogenic.

Natera, Inc.
Classification: Likely pathogenic for Primary hyperoxaluria type I. Last evaluated: 2025-11-13. Review status: criteria provided, single submitter. Criteria: Natera Variant Classification Schema (03/2026). Collection method: clinical testing. Allele origin: germline.
Comment: The c.332G>A variant in AGXT is a missense variant predicted to cause substitution of arginine to glutamine at amino acid 111. This variant is rare in the general population with a frequency below the threshold expected for the associated phenotype(s). This variant has been observed in one or more individuals affected with the associated recessive disease, as either homozygous or compound heterozygous with a second variant (PMID: 30076350). Computational prediction algorithms indicate this variant is likely to affect gene or protein function. Given the available evidence, this variant is classified as Likely Pathogenic.

Variantyx, Inc.
Classification: Likely pathogenic for Primary hyperoxaluria, type I. Last evaluated: 2025-04-16. Review status: criteria provided, single submitter. Criteria: Variantyx Assertion Criteria 2022. Collection method: clinical testing. Allele origin: germline. Inheritance: Autosomal recessive inheritance. Affected: no.
Comment: This is a nonsynonymous variant in the AGXT gene (OMIM: 604285). Pathogenic variants in this gene have been associated with autosomal recessive primary hyperoxaluria type 1. Functional studies have shown that this variant alters AGXT protein function (PMID: 24718375) (PS3), and multiple computational algorithms predict a deleterious effect for this variant (REVEL score: 0.954) (PP3). Thre alteration lies within a known hotspot for pathogenic variants or a well-established critical functional domain of the AGXT protein (PMID: 10453743, 17460142, 12559847, 15961946, 2793501, 23439734) (PM1). This variant has a 0.0111% maximum allele frequency in non-founder control populations (PM2). Based on the current evidence, this variant is classified as likely pathogenic for autosomal recessive primary hyperoxaluria type 1.

Victorian Clinical Genetics Services, Murdoch Childrens Research Institute
Classification: Likely pathogenic for Primary hyperoxaluria, type I. Last evaluated: 2024-10-09. Review status: criteria provided, single submitter. Criteria: ACMG Guidelines, 2015. Collection method: clinical testing. Allele origin: germline. Inheritance: Autosomal recessive inheritance. Affected: no.
Comment: Based on the classification scheme VCGS_Germline_v1.3.4, this variant is classified as Likely pathogenic Following criteria are met: 0102 - Loss of function is a known mechanism of disease in this gene and is associated with primary hyperoxaluria type 1 (MIM#259900). (I) 0106 - This gene is associated with autosomal recessive disease. (I) 0115 - Variants in this gene are known to have variable expressivity (PMID: 20301460). (I) 0200 - Variant is predicted to result in a missense amino acid change from arginine to glutamine. (I) 0251 - This variant is heterozygous. (I) 0304 - Variant is present in gnomAD <0.01 for a recessive condition (v2: 8 heterozygotes, 0 homozygotes). (SP) 0309 - An alternative amino acid change at the same position has been observed in gnomAD (v2: 1 heterozygote, 0 homozygotes). (I) 0501 - Missense variant consistently predicted to be damaging by multiple in silico tools or highly conserved with a major amino acid change. (SP) 0600 - Variant is located in the annotated Alanine-glyoxylate aminotransferase domain (DECIPHER). (I) 0705 - No comparable missense variants have previous evidence for pathogenicity. (I) 0802 - This variant has moderate previous evidence of pathogenicity in unrelated individuals. It has been reported in at least one individual with primary hyperoxaluria and has been classified as likely pathogenic by several clinical laboratories in ClinVar (PMID: 30076350). (SP) 0905 - No published segregation evidence has been identified for this variant. (I) 1002 - This variant has moderate functional evidence supporting abnormal protein function. In vitro studies demonstrated marked reduction in both protein activity and stability, in the context of both minor and major alleles (PMID: 24718375). (SP) 1208 - Inheritance information for this variant is not currently available in this individual. (I) Legend: (SP) - Supporting pathogenic, (I) - Information, (SB) - Supporting benign

Blueprint Genetics
Classification: Likely pathogenic for AGXT-related disorders. Last evaluated: 2024-07-09. Review status: criteria provided, single submitter. Criteria: ACMG Guidelines, 2015. Collection method: clinical testing. Allele origin: germline. Affected: yes. Observed: 5 variant alleles.

Genomic Medicine Center of Excellence, King Faisal Specialist Hospital and Research Centre
Classification: Likely pathogenic for Primary hyperoxaluria, type I. Last evaluated: 2024-03-25. Review status: criteria provided, single submitter. Criteria: ACMG Guidelines, 2015. Collection method: research. Allele origin: germline.

Fulgent Genetics
Classification: Likely pathogenic for Primary hyperoxaluria, type I. Last evaluated: 2024-01-30. Review status: criteria provided, single submitter. Criteria: ACMG Guidelines, 2015. Collection method: clinical testing. Allele origin: germline.

GeneDx
Classification: Pathogenic. Last evaluated: 2024-01-09. Review status: criteria provided, single submitter. Criteria: GeneDx Variant Classification Process June 2021. Collection method: clinical testing. Allele origin: germline. Affected: yes.
Comment: Published functional studies found this variant is associated with significantly reduced enzyme activity and stability (PMID: 24718375); Not observed at significant frequency in large population cohorts (gnomAD); In silico analysis supports that this missense variant has a deleterious effect on protein structure/function; This variant is associated with the following publications: (PMID: 31589614, 34426522, 19479957, 24718375, 30076350)

Clinical Biochemistry Laboratory, Health Services Laboratory
Classification: Pathogenic for Primary hyperoxaluria, type I. Last evaluated: 2014-11-27. Review status: no assertion criteria provided. Collection method: in vitro. Allele origin: germline. Affected: yes. Not counted in ClinVar's aggregate classification.

Literature cited by the submitters: PubMed 30076350 (cited by 3 submitters); PubMed 10453743 (cited by Variantyx, Inc.); PubMed 17460142 (cited by Variantyx, Inc.); PubMed 12559847 (cited by Variantyx, Inc.); PubMed 15961946 (cited by Variantyx, Inc.); PubMed 2793501 (cited by Variantyx, Inc.); PubMed 23439734 (cited by Variantyx, Inc.); PubMed 24718375 (cited by 3 submitters); PubMed 20301460 (cited by Victorian Clinical Genetics Services, Murdoch Childrens Research Institute); PubMed 19479957 (cited by Clinical Biochemistry Laboratory, Health Services Laboratory).

NM_000030.3(AGXT):c.332G>A (p.Arg111Gln)

Gene: AGXT (alanine--glyoxylate aminotransferase; plus strand). Cytogenetic location: 2q37.3.
Variant type: single nucleotide variant.
Coding change: c.332G>A on transcript NM_000030.3 (MANE Select); coding-DNA position 332, G replaced by A.
Protein change: p.Arg111Gln; replaces arginine 111 with glutamine.
Molecular consequence: missense variant.
Genome position (GRCh38, 1-based): chr2:240,869,336, G>A. VCF-style: chr2-240869336-G-A. GRCh37 (hg19) VCF-style: chr2-241808753-G-A.
Other names: short protein forms R111Q.
Identifiers: ClinVar variation 204092 (VCV000204092.17), dbSNP rs180177203, ClinGen allele CA275671.